The following is an entry in ClinVar:

NM_015450.3(POT1):c.1015G>T (p.Asp339Tyr)

Gene: POT1 (protection of telomeres 1; minus strand). Cytogenetic location: 7q31.33.
Variant type: single nucleotide variant.
Coding change: c.1015G>T on transcript NM_015450.3 (MANE Select); coding-DNA position 1015, G replaced by T.
Protein change: p.Asp339Tyr; replaces aspartic acid 339 with tyrosine.
Molecular consequence: missense variant. On other transcripts: non-coding transcript variant (3).
Genome position (GRCh38, 1-based): chr7:124,842,955, C>A on the plus strand (G>T on the coding strand, the complement: POT1 is on the minus strand). VCF-style: chr7-124842955-C-A. GRCh37 (hg19) VCF-style: chr7-124483009-C-A.
Other names: c.622G>T, p.Asp208Tyr (NM_001042594.2); short protein forms D208Y, D339Y.
Identifiers: ClinVar variation 1026398 (VCV001026398.9), dbSNP rs1795066512, ClinGen allele CA369068636.
Genomic context (GRCh38, chr7:124,842,955, plus strand): 5'-GTTGAGGAGCTTTTTGTTTCAAAATGGCACATAGTGGTGTCCTCTCCAAATACTGATGAT[C>A]TGTAAGTACTGTAAAGAATTTTTATATTCAATCAGAATAACAAGAATCATATTTATGACA-3'
Protein context (NP_056265.2, residues 329-349): CQQLSATILT[Asp339Tyr]HQYLERTPLC

ClinVar aggregate classification (germline): Uncertain significance (1 of 4 stars; one submission).

Conditions:
Tumor predisposition syndrome 3 (TPDS3). Also called: Glioma susceptibility 9; LONG TELOMERE SYNDROME, POT1-RELATED; POT1 Tumor Predisposition; Melanoma, cutaneous malignant, susceptibility to, 10. Identifiers: Orphanet 618, MedGen C4014476, MONDO:0014368, OMIM 615848.

Submission:

Labcorp Genetics (formerly Invitae), Labcorp
Classification: Uncertain significance for Tumor predisposition syndrome 3. Last evaluated: 2021-03-05. Review status: criteria provided, single submitter. Criteria: Invitae Variant Classification Sherloc (09022015). Collection method: clinical testing. Allele origin: germline.
Comment: Algorithms developed to predict the effect of missense changes on protein structure and function are either unavailable or do not agree on the potential impact of this missense change (SIFT: "Deleterious"; PolyPhen-2: "Possibly Damaging"; Align-GVGD: "Class C0"). This sequence change replaces aspartic acid with tyrosine at codon 339 of the POT1 protein (p.Asp339Tyr). The aspartic acid residue is moderately conserved and there is a large physicochemical difference between aspartic acid and tyrosine. This variant is not present in population databases (ExAC no frequency). This variant has not been reported in the literature in individuals with POT1-related conditions. In summary, the available evidence is currently insufficient to determine the role of this variant in disease. Therefore, it has been classified as a Variant of Uncertain Significance.